The following is an entry in ClinVar:

ClinVar aggregate classification (germline): Uncertain significance (1 of 4 stars; one submission).

Submission:

GeneDx
Classification: Uncertain significance. Last evaluated: 2022-07-14. Review status: criteria provided, single submitter. Criteria: GeneDx Variant Classification Process June 2021. Collection method: clinical testing. Allele origin: germline. Affected: yes.
Comment: Not observed at significant frequency in large population cohorts (gnomAD); In silico analysis supports that this missense variant has a deleterious effect on protein structure/function; Has not been previously published as pathogenic or benign to our knowledge

NM_198503.5(KCNT2):c.2945A>C (p.Asp982Ala)

Gene: KCNT2 (potassium sodium-activated channel subfamily T member 2; minus strand). Cytogenetic location: 1q31.3.
Variant type: single nucleotide variant.
Coding change: c.2945A>C on transcript NM_198503.5 (MANE Select); coding-DNA position 2945, A replaced by C.
Protein change: p.Asp982Ala; replaces aspartic acid 982 with alanine.
Molecular consequence: missense variant. On other transcripts: non-coding transcript variant (2).
Genome position (GRCh38, 1-based): chr1:196,258,460, T>G on the plus strand (A>C on the coding strand, the complement: KCNT2 is on the minus strand). VCF-style: chr1-196258460-T-G. GRCh37 (hg19) VCF-style: chr1-196227590-T-G.
Other names: c.2873A>C, p.Asp958Ala (NM_001287819.3); c.2744A>C, p.Asp915Ala (NM_001287820.3); short protein forms D915A, D958A, D982A.
Identifiers: ClinVar variation 1878767 (VCV001878767.1), dbSNP rs2527785561, ClinGen allele CA343974966.